The following is an entry in ClinVar:

ClinVar aggregate classification (germline): Pathogenic (1 of 4 stars; one submission).

Submission:

Labcorp Genetics (formerly Invitae), Labcorp
Classification: Pathogenic. Last evaluated: 2024-03-25. Review status: criteria provided, single submitter. Criteria: Invitae Variant Classification Sherloc (09022015). Collection method: clinical testing. Allele origin: germline.
Comment: This sequence change creates a premature translational stop signal (p.Glu2168Thrfs*2) in the EYS gene. It is expected to result in an absent or disrupted protein product. Loss-of-function variants in EYS are known to be pathogenic (PMID: 18836446, 20333770). This variant is not present in population databases (gnomAD no frequency). This variant has not been reported in the literature in individuals affected with EYS-related conditions. For these reasons, this variant has been classified as Pathogenic.

Literature cited by the submitters: PubMed 18836446; PubMed 20333770.

NM_001142800.2(EYS):c.6501_6502del (p.Glu2168fs)

Gene: EYS (EGF-like photoreceptor maintenance factor; minus strand). Cytogenetic location: 6q12.
Variant type: Deletion.
Coding change: c.6501_6502del on transcript NM_001142800.2 (MANE Select); coding-DNA positions 6501 to 6502, 2 bases deleted (GG; older notation c.6501_6502delGG).
Protein change: p.Glu2168fs; shifts the reading frame from glutamic acid 2168.
Molecular consequence: frameshift variant.
Genome position (GRCh38, 1-based): chr6:64,081,925-64,081,926, CC deleted on the plus strand (GG on the coding strand, the reverse complement: EYS is on the minus strand). VCF-style (leftmost placement, unchanged base first): chr6-64081924-TCC-T. GRCh37 (hg19) VCF-style: chr6-64791817-TCC-T.
Other names: c.6501_6502del, p.Glu2168fs (NM_001292009.2); short protein forms E2168fs.
Identifiers: ClinVar variation 2707907 (VCV002707907.3), dbSNP rs2533588503, ClinGen allele CA2697553514.
Genomic context (GRCh38, chr6:64,081,924, plus strand): 5'-ATAGTTCCATTTAAACTGTTTGTTTTTATAGTCAAGTAGATGGTAACAGTTCTGTTATGT[TCC>T]TTCTCCAGGACAAACTTCAAAAAGGGCAGTTCTAAATAGGAATTCCCATTGAAAGATGGA-3'